The following is an entry in ClinVar:

NM_001291867.2(NHS):c.350C>T (p.Ala117Val)

Gene: NHS (NHS actin remodeling regulator; plus strand). Cytogenetic location: Xp22.2.
Variant type: single nucleotide variant.
Coding change: c.350C>T on transcript NM_001291867.2 (MANE Select); coding-DNA position 350, C replaced by T.
Protein change: p.Ala117Val; replaces alanine 117 with valine.
Molecular consequence: missense variant.
Genome position (GRCh38, 1-based): chrX:17,376,107, C>T. VCF-style: chrX-17376107-C-T. GRCh37 (hg19) VCF-style: chrX-17394230-C-T.
Other names: c.350C>T, p.Ala117Val (NM_198270.4); short protein forms A117V.
Identifiers: ClinVar variation 588421 (VCV000588421.5), dbSNP rs764411401, ClinGen allele CA10358437.

ClinVar aggregate classification (germline): Uncertain significance (1 of 4 stars; one submission).

Conditions:
Inborn genetic diseases. Identifiers: MedGen C0950123, MeSH D030342.

Allele frequency attached by ClinVar (database versions not stated): ExAC below 0.00001; gnomAD 0.00001; TOPMed 0.00004.
gnomAD v4.1: 8 of 1,109,835 alleles (0.00072%); highest among the groups gnomAD compares: Middle Eastern, 0.095%; no homozygotes.

Submission:

Ambry Genetics
Classification: Uncertain significance for Inborn genetic diseases. Last evaluated: 2016-11-11. Review status: criteria provided, single submitter. Criteria: Ambry Variant Classification Scheme 2023. Collection method: clinical testing. Allele origin: germline.
Comment: The p.A117V variant (also known as c.350C>T), located in coding exon 1 of the NHS gene, results from a C to T substitution at nucleotide position 350. The alanine at codon 117 is replaced by valine, an amino acid with similar properties. This variant was not reported in population based cohorts in the following databases: Database of Single Nucleotide Polymorphisms (dbSNP), NHLBI Exome Sequencing Project (ESP), and 1000 Genomes Project. In the ESP, this variant was not observed in 4209 samples with coverage at this position. This amino acid position is not well conserved in available vertebrate species. In addition, this alteration is predicted to be tolerated by in silico analysis. Since supporting evidence is limited at this time, the clinical significance of this variant remains unclear.